The following is an entry in ClinVar:

NM_000091.5(COL4A3):c.2020+2dup

Genes: COL4A3 (collagen type IV alpha 3 chain; plus strand), MFF-DT (MFF divergent transcript; minus strand). Cytogenetic location: 2q36.3.
Variant type: Duplication.
Coding change: c.2020+2dup on transcript NM_000091.5 (MANE Select); the canonical splice donor site of the intron after coding-DNA position 2020, one base duplicated (T; older notation c.2020+2dupT).
Molecular consequence: splice donor variant.
Genome position (GRCh38, 1-based): chr2:227,276,479, T duplicated. VCF-style (leftmost placement, unchanged base first): chr2-227276478-G-GT. GRCh37 (hg19) VCF-style: chr2-228141194-G-GT.
Identifiers: ClinVar variation 3676851 (VCV003676851.3).

ClinVar aggregate classification (germline): Uncertain significance. Review status: criteria provided, multiple submitters, no conflicts (2 of 4 stars). 2 submissions from 2 submitters: Uncertain significance (2). Last evaluated 2024-10-24.

Submissions (2):

Labcorp Genetics (formerly Invitae), Labcorp
Classification: Uncertain significance. Last evaluated: 2024-10-24. Review status: criteria provided, single submitter. Criteria: Invitae Variant Classification Sherloc (09022015). Collection method: clinical testing. Allele origin: germline.
Comment: This sequence change falls in intron 27 of the COL4A3 gene. It does not directly change the encoded amino acid sequence of the COL4A3 protein. It affects a nucleotide within the consensus splice site. This variant is not present in population databases (gnomAD no frequency). This variant has not been reported in the literature in individuals affected with COL4A3-related conditions. Variants that disrupt the consensus splice site are a relatively common cause of aberrant splicing (PMID: 17576681, 9536098). Algorithms developed to predict the effect of sequence changes on RNA splicing suggest that this variant may disrupt the consensus splice site. In summary, the available evidence is currently insufficient to determine the role of this variant in disease. Therefore, it has been classified as a Variant of Uncertain Significance.

Blueprint Genetics
Classification: Uncertain significance. Last evaluated: 2024-10-21. Review status: criteria provided, single submitter. Criteria: ACMG Guidelines, 2015. Collection method: clinical testing. Allele origin: germline.

Literature cited by the submitters: PubMed 17576681 (cited by Labcorp Genetics (formerly Invitae), Labcorp); PubMed 9536098 (cited by Labcorp Genetics (formerly Invitae), Labcorp).